The following is an entry in ClinVar:

NM_002439.5(MSH3):c.1097G>A (p.Ser366Asn)

Gene: MSH3 (mutS homolog 3; plus strand). Cytogenetic location: 5q14.1.
Variant type: single nucleotide variant.
Coding change: c.1097G>A on transcript NM_002439.5 (MANE Select); coding-DNA position 1097, G replaced by A.
Protein change: p.Ser366Asn; replaces serine 366 with asparagine.
Molecular consequence: missense variant.
Genome position (GRCh38, 1-based): chr5:80,675,052, G>A. VCF-style: chr5-80675052-G-A. GRCh37 (hg19) VCF-style: chr5-79970871-G-A.
Other names: short protein forms S366N.
Identifiers: ClinVar variation 1790992 (VCV001790992.5), dbSNP rs1201188083, ClinGen allele CA360268077.

ClinVar aggregate classification (germline): Conflicting classifications of pathogenicity. Review status: criteria provided, conflicting classifications (1 of 4 stars). 2 submissions from 2 submitters: Uncertain significance (1); Likely benign (1). Last evaluated 2023-08-23.

Conditions:
Hereditary cancer-predisposing syndrome. Also called: Hereditary Cancer Syndrome; Hereditary neoplastic syndrome; Tumor predisposition; Neoplastic Syndromes, Hereditary. Identifiers: Orphanet 140162, MedGen C0027672, MeSH D009386, MONDO:0015356.

Submissions (2):

Labcorp Genetics (formerly Invitae), Labcorp
Classification: Uncertain significance. Last evaluated: 2023-08-23. Review status: criteria provided, single submitter. Criteria: Invitae Variant Classification Sherloc (09022015). Collection method: clinical testing. Allele origin: germline.
Comment: In summary, the available evidence is currently insufficient to determine the role of this variant in disease. Therefore, it has been classified as a Variant of Uncertain Significance. Algorithms developed to predict the effect of missense changes on protein structure and function output the following: SIFT: "Not Available"; PolyPhen-2: "Benign"; Align-GVGD: "Not Available". The asparagine amino acid residue is found in multiple mammalian species, which suggests that this missense change does not adversely affect protein function. ClinVar contains an entry for this variant (Variation ID: 1790992). This variant has not been reported in the literature in individuals affected with MSH3-related conditions. This variant is not present in population databases (gnomAD no frequency). This sequence change replaces serine, which is neutral and polar, with asparagine, which is neutral and polar, at codon 366 of the MSH3 protein (p.Ser366Asn).

Ambry Genetics
Classification: Likely benign for Hereditary cancer-predisposing syndrome. Last evaluated: 2020-08-31. Review status: criteria provided, single submitter. Criteria: Ambry Variant Classification Scheme 2023. Collection method: clinical testing. Allele origin: germline.